The following is an entry in ClinVar:

ClinVar aggregate classification (germline): Uncertain significance (1 of 4 stars; one submission).

Conditions:
Autosomal dominant nonsyndromic hearing loss 1. Also called: DEAFNESS, AUTOSOMAL DOMINANT 1, WITH OR WITHOUT THROMBOCYTOPENIA; KONIGSMARK SYNDROME. Identifiers: Orphanet 90635, MedGen C1852282, MONDO:0007424, OMIM 124900.
Progressive microcephaly-seizures-cortical blindness-developmental delay syndrome. Also called: Seizures, cortical blindness, and microcephaly syndrome. Identifiers: Orphanet 477814, MedGen C5567650, MONDO:0014714, OMIM 616632.

Submission:

Labcorp Genetics (formerly Invitae), Labcorp
Classification: Uncertain significance for Progressive microcephaly-seizures-cortical blindness-developmental delay syndrome; Autosomal dominant nonsyndromic hearing loss 1. Last evaluated: 2023-11-18. Review status: criteria provided, single submitter. Criteria: Invitae Variant Classification Sherloc (09022015). Collection method: clinical testing. Allele origin: germline.
Comment: This sequence change replaces lysine, which is basic and polar, with threonine, which is neutral and polar, at codon 771 of the DIAPH1 protein (p.Lys771Thr). This variant is not present in population databases (gnomAD no frequency). This variant has not been reported in the literature in individuals affected with DIAPH1-related conditions. An algorithm developed to predict the effect of missense changes on protein structure and function (PolyPhen-2) suggests that this variant is likely to be disruptive. In summary, the available evidence is currently insufficient to determine the role of this variant in disease. Therefore, it has been classified as a Variant of Uncertain Significance.

NM_005219.5(DIAPH1):c.2312A>C (p.Lys771Thr)

Gene: DIAPH1 (diaphanous related formin 1; minus strand). Cytogenetic location: 5q31.3.
Variant type: single nucleotide variant.
Coding change: c.2312A>C on transcript NM_005219.5 (MANE Select); coding-DNA position 2312, A replaced by C.
Protein change: p.Lys771Thr; replaces lysine 771 with threonine.
Molecular consequence: missense variant.
Genome position (GRCh38, 1-based): chr5:141,573,538, T>G on the plus strand (A>C on the coding strand, the complement: DIAPH1 is on the minus strand). VCF-style: chr5-141573538-T-G. GRCh37 (hg19) VCF-style: chr5-140953105-T-G.
Other names: c.2285A>C, p.Lys762Thr (NM_001079812.3); c.2312A>C, p.Lys771Thr (NM_001314007.2); short protein forms K762T, K771T.
Identifiers: ClinVar variation 2954005 (VCV002954005.3), dbSNP rs2513738213, ClinGen allele CA361514821.